The following is an entry in ClinVar:

NM_001083116.3(PRF1):c.247G>A (p.Gly83Ser)

Gene: PRF1 (perforin 1; minus strand). Cytogenetic location: 10q22.1.
Variant type: single nucleotide variant.
Coding change: c.247G>A on transcript NM_001083116.3 (MANE Select); coding-DNA position 247, G replaced by A.
Protein change: p.Gly83Ser; replaces glycine 83 with serine.
Molecular consequence: missense variant.
Genome position (GRCh38, 1-based): chr10:70,600,656, C>T on the plus strand (G>A on the coding strand, the complement: PRF1 is on the minus strand). VCF-style: chr10-70600656-C-T. GRCh37 (hg19) VCF-style: chr10-72360412-C-T.
Other names: c.247G>A, p.Gly83Ser (NM_005041.6); short protein forms G83S.
Identifiers: ClinVar variation 580385 (VCV000580385.8), dbSNP rs773409738, ClinGen allele CA5539091.

ClinVar aggregate classification (germline): Uncertain significance (1 of 4 stars; one submission).

Conditions:
Familial hemophagocytic lymphohistiocytosis 2 (FHL2). Also called: PRF1-Related Familial Hemophagocytic Lymphohistiocytosis (PRF1-fHLH). Identifiers: Orphanet 540, MedGen C1863727, MONDO:0011337, OMIM 603553.

Allele frequency attached by ClinVar (database versions not stated): gnomAD exomes 0.00001 and below 0.00001; ExAC 0.00001.
gnomAD v4.1: 2 of 1,613,604 alleles (0.00012%); highest among the groups gnomAD compares: South Asian, 0.0011%; no homozygotes.

Submission:

Labcorp Genetics (formerly Invitae), Labcorp
Classification: Uncertain significance for Familial hemophagocytic lymphohistiocytosis 2. Last evaluated: 2025-12-17. Review status: criteria provided, single submitter. Criteria: Invitae Variant Classification Sherloc (09022015). Collection method: clinical testing. Allele origin: germline.
Comment: This sequence change replaces glycine, which is neutral and non-polar, with serine, which is neutral and polar, at codon 83 of the PRF1 protein (p.Gly83Ser). This variant is present in population databases (rs773409738, gnomAD 0.003%). This variant has not been reported in the literature in individuals affected with PRF1-related conditions. ClinVar contains an entry for this variant (Variation ID: 580385). Invitae Evidence Modeling of protein sequence and biophysical properties (such as structural, functional, and spatial information, amino acid conservation, physicochemical variation, residue mobility, and thermodynamic stability) has been performed for this missense variant. However, the output from this modeling did not meet the statistical confidence thresholds required to predict the impact of this variant on PRF1 protein function. In summary, the available evidence is currently insufficient to determine the role of this variant in disease. Therefore, it has been classified as a Variant of Uncertain Significance.